The following is an entry in ClinVar:

ClinVar aggregate classification (germline): Benign. Review status: criteria provided, multiple submitters, no conflicts (2 of 4 stars). 2 submissions from 2 submitters: Benign (2). Last evaluated 2018-01-13.

Conditions:
Alstrom syndrome (ALMS). Identifiers: Orphanet 64, MedGen C0268425, MONDO:0008763, OMIM 203800.

Allele frequency attached by ClinVar (database versions not stated): gnomAD exomes 0.00099; gnomAD 0.01006 and 0.01084; 1000 Genomes Project 0.01058; TOPMed 0.01131; 1000 Genomes Project 30x 0.01140.
gnomAD v4.1: 2,153 of 766,622 alleles (0.28%); highest among the groups gnomAD compares: African/African-American, 3.3%; 44 homozygotes.

Submissions (2):

Illumina Laboratory Services, Illumina
Classification: Benign for Alstrom syndrome. Last evaluated: 2018-01-13. Review status: criteria provided, single submitter. Criteria: ICSL Variant Classification Criteria 13 December 2019. Collection method: clinical testing. Allele origin: germline.
Comment: This variant was observed in the ICSL laboratory as part of a predisposition screen in an ostensibly healthy population. It had not been previously curated by ICSL or reported in the Human Gene Mutation Database (HGMD: prior to June 1st, 2018), and was therefore a candidate for classification through an automated scoring system. Utilizing variant allele frequency, disease prevalence and penetrance estimates, and inheritance mode, an automated score was calculated to assess if this variant is too frequent to cause the disease. Based on the score and internal cut-off values, a variant classified as benign is not then subjected to further curation. The score for this variant resulted in a classification of benign for this disease.

GeneDx
Classification: Benign. Last evaluated: 2016-12-05. Review status: criteria provided, single submitter. Criteria: GeneDx Variant Classification Process June 2021. Collection method: clinical testing. Allele origin: germline. Affected: yes.

NM_001378454.1(ALMS1):c.*154G>C

Gene: ALMS1 (ALMS1 centrosome and basal body associated protein; plus strand). Cytogenetic location: 2p13.1.
Variant type: single nucleotide variant.
Coding change: c.*154G>C on transcript NM_001378454.1 (MANE Select); 154 bases downstream of the stop codon, G replaced by C.
Molecular consequence: 3 prime UTR variant.
Genome position (GRCh38, 1-based): chr2:73,609,766, G>C. VCF-style: chr2-73609766-G-C. GRCh37 (hg19) VCF-style: chr2-73836893-G-C.
Other names: c.*154G>C (NM_015120.4).
Identifiers: ClinVar variation 898298 (VCV000898298.5), dbSNP rs77779454, ClinGen allele CA15169948.